The following is an entry in ClinVar:

ClinVar aggregate classification (germline): Uncertain significance (1 of 4 stars; one submission).

gnomAD v4.1: 21 of 1,587,640 alleles (0.0013%); highest among the groups gnomAD compares: Non-Finnish European, 0.0015%; no homozygotes.

Submission:

GeneDx
Classification: Uncertain significance. Last evaluated: 2025-09-24. Review status: criteria provided, single submitter. Criteria: GeneDx Variant Classification Process June 2021. Collection method: clinical testing. Allele origin: germline. Affected: yes.
Comment: Has not been previously published as pathogenic or benign to our knowledge; Not observed at significant frequency in large population cohorts (gnomAD); Located in a regulatory region; in the absence of functional studies, the actual effect of this sequence change is unknown

NM_006567.5(FARS2):c.-21A>G

Genes: FARS2 (phenylalanyl-tRNA synthetase 2, mitochondrial; plus strand), LOC126859565 (CDK7 strongly-dependent group 2 enhancer GRCh37_chr6:5368745-5369944; plus strand). Cytogenetic location: 6p25.1.
Variant type: single nucleotide variant.
Coding change: c.-21A>G on transcript NM_006567.5 (MANE Select); 21 bases upstream of the start codon, A replaced by G.
Molecular consequence: 5 prime UTR variant. On other transcripts: intron variant (2).
Genome position (GRCh38, 1-based): chr6:5,368,550, A>G. VCF-style: chr6-5368550-A-G. GRCh37 (hg19) VCF-style: chr6-5368783-A-G.
Other names: c.-21A>G (NM_001318872.2, NM_001374875.1, NM_001374876.1 and 5 more transcripts); c.-340-28083A>G (NM_001375260.1); c.-84-35992A>G (NM_001375259.1).
Identifiers: ClinVar variation 4818895 (VCV004818895.1).